The following is an entry in ClinVar:

ClinVar aggregate classification (germline): Benign/Likely benign. Review status: criteria provided, multiple submitters, no conflicts (2 of 4 stars). 5 submissions from 5 submitters: Benign (3); Likely benign (2). Last evaluated 2026-02-02.

Conditions:
RASopathy. Also called: Noonan spectrum disorder; rasopathies. Identifiers: Orphanet 536391, MedGen C5555857, MONDO:0021060.

Allele frequency attached by ClinVar (database versions not stated): gnomAD exomes 0.00015 and 0.00042; ExAC 0.00052; 1000 Genomes Project 30x 0.00172; gnomAD 0.00175 and 0.00185; 1000 Genomes Project 0.00180; ESP Exome Variant Server 0.00192; TOPMed 0.00208.

Submissions (5):

Labcorp Genetics (formerly Invitae), Labcorp
Classification: Benign for RASopathy. Last evaluated: 2026-02-02. Review status: criteria provided, single submitter. Criteria: Invitae Variant Classification Sherloc (09022015). Collection method: clinical testing. Allele origin: germline.

Blueprint Genetics
Classification: Likely benign. Last evaluated: 2024-09-13. Review status: criteria provided, single submitter. Criteria: ACMG Guidelines, 2015. Collection method: clinical testing. Allele origin: germline.

ARUP Laboratories, Molecular Genetics and Genomics, ARUP Laboratories
Classification: Benign. Last evaluated: 2023-01-03. Review status: criteria provided, single submitter. Criteria: ARUP Molecular Germline Variant Investigation Process 2024. Collection method: clinical testing. Allele origin: germline.

Women's Health and Genetics/Laboratory Corporation of America, LabCorp
Classification: Benign. Last evaluated: 2021-09-13. Review status: criteria provided, single submitter. Criteria: LabCorp Variant Classification Summary - May 2015. Collection method: clinical testing. Allele origin: germline.
Comment: Variant summary: CBL c.870-19delT alters a conserved nucleotide located close to a canonical splice site and therefore could affect mRNA splicing, leading to a significantly altered protein sequence. 4/4 computational tools predict no significant impact on normal splicing. However, these predictions have yet to be confirmed by functional studies. The variant allele was found at a frequency of 0.00042 in 251478 control chromosomes, predominantly at a frequency of 0.0055 within the African or African-American subpopulation in the gnomAD database. The observed variant frequency within African or African-American control individuals in the gnomAD database is approximately 2200-fold of the estimated maximal expected allele frequency for a pathogenic variant in CBL causing Noonan Syndrome And Related Conditions phenotype (2.5e-06), strongly suggesting that the variant is a benign polymorphism found primarily in populations of African or African-American origin. To our knowledge, no occurrence of c.870-19delT in individuals affected with Noonan Syndrome And Related Conditions and no experimental evidence demonstrating its impact on protein function have been reported. A ClinVar submitter (evaluation after 2014) cites the variant as likely benign. Based on the evidence outlined above, the variant was classified as benign.

GeneDx
Classification: Likely benign. Last evaluated: 2016-07-26. Review status: criteria provided, single submitter. Criteria: GeneDx Variant Classification (06012015). Collection method: clinical testing. Allele origin: germline. Affected: yes.
Comment: This variant is considered likely benign or benign based on one or more of the following criteria: it is a conservative change, it occurs at a poorly conserved position in the protein, it is predicted to be benign by multiple in silico algorithms, and/or has population frequency not consistent with disease.

Literature cited by the submitters: PubMed 20951944 (cited by Women's Health and Genetics/Laboratory Corporation of America, LabCorp); PubMed 19620960 (cited by Women's Health and Genetics/Laboratory Corporation of America, LabCorp); PubMed 29296819 (cited by Women's Health and Genetics/Laboratory Corporation of America, LabCorp); PubMed 27069254 (cited by Women's Health and Genetics/Laboratory Corporation of America, LabCorp).

NM_005188.4(CBL):c.870-19del

Gene: CBL (Cbl proto-oncogene; plus strand). Cytogenetic location: 11q23.3.
Variant type: Deletion.
Coding change: c.870-19del on transcript NM_005188.4 (MANE Select); 19 bases into the intron before coding-DNA position 870, one base deleted (T; older notation c.870-19delT).
Molecular consequence: intron variant.
Genome position (GRCh38, 1-based): chr11:119,275,978, T deleted. VCF-style (leftmost placement, unchanged base first): chr11-119275977-CT-C. GRCh37 (hg19) VCF-style: chr11-119146687-CT-C.
Identifiers: ClinVar variation 418110 (VCV000418110.11), dbSNP rs548130600, ClinGen allele CA6318378.
Genomic context (GRCh38, chr11:119,275,977, plus strand): 5'-ATTTTTGTCTGTATCTTGCCTTGCCTTCCACCGTAATACCAGCATAATCTACTAAAGCTT[CT>C]GTTTATGTCTGTTCATAGTTATATCTTCCGGCTGAGCTGTACTCGTCTGGGTCAGTGGGC-3'